The following is an entry in ClinVar:

NM_015192.4(PLCB1):c.863-62del

Gene: PLCB1 (phospholipase C beta 1; plus strand). Cytogenetic location: 20p12.3.
Variant type: Deletion.
Coding change: c.863-62del on transcript NM_015192.4 (MANE Select); 62 bases into the intron before coding-DNA position 863, one base deleted (A; older notation c.863-62delA).
Molecular consequence: intron variant.
Genome position (GRCh38, 1-based): chr20:8,684,870, A deleted; the last of 15 consecutive A bases (chr20:8,684,856-8,684,870); deleting any one gives the same sequence. VCF-style (leftmost placement, unchanged base first): chr20-8684855-GA-G. GRCh37 (hg19) VCF-style: chr20-8665502-GA-G.
Other names: c.863-62del (NM_182734.3).
Identifiers: ClinVar variation 1296242 (VCV001296242.4), dbSNP rs61201694, ClinGen allele CA311224932.
Genomic context (GRCh38, chr20:8,684,855, plus strand): 5'-TACACTCTTATTTATCCATACTAAAATGTCTTCTACCTTGGACACTACAAGATATTTCTG[GA>G]AAAAAAAAAAAAAAGAGGCGACTTGACACCCATAAAAGAATGCATTCACATCCTTTCTAA-3'

ClinVar aggregate classification (germline): Benign. Review status: criteria provided, multiple submitters, no conflicts (2 of 4 stars). 2 submissions from 2 submitters: Benign (2). Last evaluated 2024-07-15.

Submissions (2):

Unidad de Genómica Garrahan, Hospital de Pediatría Garrahan
Classification: Benign. Last evaluated: 2024-07-15. Review status: criteria provided, single submitter. Criteria: ACMG Guidelines, 2015. Collection method: clinical testing. Allele origin: germline. Affected: no. Observed: 35 variant alleles.
Comment: This variant is classified as Benign based on local population frequency. This variant was detected in 38% of patients studied in a panel designed for Epileptic and Developmental Encephalopathy and Progressive Myoclonus Epilepsy. Number of patients: 35. Only high quality variants are reported.

GeneDx
Classification: Benign. Last evaluated: 2020-12-03. Review status: criteria provided, single submitter. Criteria: GeneDx Variant Classification Process June 2021. Collection method: clinical testing. Allele origin: germline. Affected: yes.